The following is an entry in ClinVar:

ClinVar aggregate classification (germline): Uncertain significance (1 of 4 stars; one submission).

Submission:

Labcorp Genetics (formerly Invitae), Labcorp
Classification: Uncertain significance. Last evaluated: 2025-08-31. Review status: criteria provided, single submitter. Criteria: Invitae Variant Classification Sherloc (09022015). Collection method: clinical testing. Allele origin: germline.
Comment: This sequence change affects a splice site in intron 21 of the KIF23 gene. It is expected to disrupt RNA splicing. Variants that disrupt the donor or acceptor splice site typically lead to a loss of protein function (PMID: 16199547), however the current clinical and genetic evidence is not sufficient to establish whether loss-of-function variants in KIF23 cause disease. This variant is not present in population databases (gnomAD no frequency). This variant has not been reported in the literature in individuals affected with KIF23-related conditions. Algorithms developed to predict the effect of sequence changes on RNA splicing suggest that this variant may disrupt the consensus splice site. In summary, the available evidence is currently insufficient to determine the role of this variant in disease. Therefore, it has been classified as a Variant of Uncertain Significance.

Literature cited by the submitters: PubMed 16199547.

NM_001367805.3(KIF23):c.2839-3_2839-2del

Gene: KIF23 (kinesin family member 23; plus strand). Cytogenetic location: 15q23.
Variant type: Deletion.
Coding change: c.2839-3_2839-2del on transcript NM_001367805.3 (MANE Select); 3 bases into the intron before coding-DNA position 2839 through the canonical splice acceptor site of the intron before coding-DNA position 2839, 2 bases deleted (CA; older notation c.2839-3_2839-2delCA).
Molecular consequence: splice acceptor variant.
Genome position (GRCh38, 1-based): chr15:69,446,868-69,446,869, CA deleted. VCF-style (leftmost placement, unchanged base first): chr15-69446867-TCA-T. GRCh37 (hg19) VCF-style: chr15-69739206-TCA-T.
Other names: c.2797-3_2797-2del (NM_138555.4); c.2715-3_2715-2del (NM_001367804.2); c.2485-3_2485-2del (NM_004856.7); c.2215-3_2215-2del (NM_001281301.2).
Identifiers: ClinVar variation 4761894 (VCV004761894.1).